The following is an entry in ClinVar:

NM_006445.4(PRPF8):c.434+5G>T

Gene: PRPF8 (pre-mRNA processing factor 8; minus strand). Cytogenetic location: 17p13.3.
Variant type: single nucleotide variant.
Coding change: c.434+5G>T on transcript NM_006445.4 (MANE Select); 5 bases into the intron after coding-DNA position 434, G replaced by T.
Molecular consequence: intron variant.
Genome position (GRCh38, 1-based): chr17:1,682,124, C>A on the plus strand (G>T on the coding strand, the complement: PRPF8 is on the minus strand). VCF-style: chr17-1682124-C-A. GRCh37 (hg19) VCF-style: chr17-1585418-C-A.
Identifiers: ClinVar variation 2810835 (VCV002810835.3), dbSNP rs2543783533, ClinGen allele CA2635256362.
Genomic context (GRCh38, chr17:1,682,124, plus strand): 5'-ATTTCTACCCACTGCCTCCCAACCACCACCACCACCACCACCCACCATATTTCAGCCTTT[C>A]TCACCCCCACTGGGAGATGTAGACAGGTTCAATGACCCAGGGAATCTCATTGACGAAGGA-3'

ClinVar aggregate classification (germline): Uncertain significance (1 of 4 stars; one submission).

Allele frequency attached by ClinVar (database versions not stated): gnomAD exomes below 0.00001.
gnomAD v4.1: 1 of 1,613,938 alleles (0.000062%); highest among the groups gnomAD compares: Admixed American, 0.0017%; no homozygotes.

Submission:

Labcorp Genetics (formerly Invitae), Labcorp
Classification: Uncertain significance. Last evaluated: 2022-10-30. Review status: criteria provided, single submitter. Criteria: Invitae Variant Classification Sherloc (09022015). Collection method: clinical testing. Allele origin: germline.
Comment: This sequence change falls in intron 4 of the PRPF8 gene. It does not directly change the encoded amino acid sequence of the PRPF8 protein. It affects a nucleotide within the consensus splice site. In summary, the available evidence is currently insufficient to determine the role of this variant in disease. Therefore, it has been classified as a Variant of Uncertain Significance. Variants that disrupt the consensus splice site are a relatively common cause of aberrant splicing (PMID: 17576681, 9536098). Algorithms developed to predict the effect of sequence changes on RNA splicing suggest that this variant may disrupt the consensus splice site. This variant has not been reported in the literature in individuals affected with PRPF8-related conditions. This variant is not present in population databases (gnomAD no frequency).

Literature cited by the submitters: PubMed 17576681; PubMed 9536098.